The following is an entry in ClinVar:

NM_144563.3(RPIA):c.212C>A (p.Ala71Asp)

Gene: RPIA (ribose 5-phosphate isomerase A; plus strand). Cytogenetic location: 2p11.2.
Variant type: single nucleotide variant.
Coding change: c.212C>A on transcript NM_144563.3 (MANE Select); coding-DNA position 212, C replaced by A.
Protein change: p.Ala71Asp; replaces alanine 71 with aspartic acid.
Molecular consequence: missense variant.
Genome position (GRCh38, 1-based): chr2:88,691,910, C>A. VCF-style: chr2-88691910-C-A. GRCh37 (hg19) VCF-style: chr2-88991428-C-A.
Other names: short protein forms A71D.
Identifiers: ClinVar variation 2057992 (VCV002057992.3), dbSNP rs144464859, ClinGen allele CA1755100.
Genomic context (GRCh38, chr2:88,691,910, plus strand): 5'-CCCGTGGCGGTGCTGGCAACACAAGCACCAGCTGCGGGGACTCCAACAGCATCTGCCCGG[C>A]CCCCTCCACGATGTCCAAGGCCGAGGAGGCCAAGAAGCTGGCGGGCCGCGCGGCTGTGGA-3'
Protein context (NP_653164.2, residues 61-81): SCGDSNSICP[Ala71Asp]PSTMSKAEEA

ClinVar aggregate classification (germline): Uncertain significance (1 of 4 stars; one submission).

Allele frequency attached by ClinVar (database versions not stated): gnomAD exomes 0.00002; ExAC 0.00015; TOPMed 0.00023; 1000 Genomes Project 30x 0.00047; 1000 Genomes Project 0.00060.
gnomAD v4.1: 70 of 1,594,684 alleles (0.0044%); highest among the groups gnomAD compares: African/African-American, 0.091%; no homozygotes.

Submission:

Labcorp Genetics (formerly Invitae), Labcorp
Classification: Uncertain significance. Last evaluated: 2022-11-08. Review status: criteria provided, single submitter. Criteria: Invitae Variant Classification Sherloc (09022015). Collection method: clinical testing. Allele origin: germline.
Comment: In summary, the available evidence is currently insufficient to determine the role of this variant in disease. Therefore, it has been classified as a Variant of Uncertain Significance. This sequence change replaces alanine, which is neutral and non-polar, with aspartic acid, which is acidic and polar, at codon 71 of the RPIA protein (p.Ala71Asp). This variant is present in population databases (rs144464859, gnomAD 0.1%). This variant has not been reported in the literature in individuals affected with RPIA-related conditions. Algorithms developed to predict the effect of missense changes on protein structure and function (SIFT, PolyPhen-2, Align-GVGD) all suggest that this variant is likely to be tolerated.